The following is an entry in ClinVar:

ClinVar aggregate classification (germline): Likely pathogenic (1 of 4 stars; one submission).

Submission:

Dasa
Classification: Likely pathogenic. Last evaluated: 2025-08-07. Review status: criteria provided, single submitter. Criteria: DASA Assertion Criteria. Collection method: clinical testing. Allele origin: germline.
Comment: NM_000454.5(SOD1):c.217G>C (p.Gly73Arg) is a missense variant that results in the substitution of glycine with arginine. The affected residue or protein region has prior evidence supporting clinical relevance. This variant is absent from population databases. Computational evidence supports a deleterious effect. Based on the currently available evidence, this variant is classified as likely pathogenic.

NM_000454.5(SOD1):c.217G>C (p.Gly73Arg)

Gene: SOD1 (superoxide dismutase 1; plus strand). Cytogenetic location: 21q22.11.
Variant type: single nucleotide variant.
Coding change: c.217G>C on transcript NM_000454.5 (MANE Select); coding-DNA position 217, G replaced by C.
Protein change: p.Gly73Arg; replaces glycine 73 with arginine.
Molecular consequence: missense variant.
Genome position (GRCh38, 1-based): chr21:31,666,496, G>C. VCF-style: chr21-31666496-G-C. GRCh37 (hg19) VCF-style: chr21-33038809-G-C.
Other names: short protein forms G73R.
Identifiers: ClinVar variation 4886421 (VCV004886421.2).
Genomic context (GRCh38, chr21:31,666,496, plus strand): 5'-TTCTTATAAATAGGCTGTACCAGTGCAGGTCCTCACTTTAATCCTCTATCCAGAAAACAC[G>C]GTGGGCCAAAGGATGAAGAGAGGTAACAAGATGCTTAACTCTTGTAATAATGGCGATAGC-3'
Protein context (NP_000445.1, residues 63-83): PHFNPLSRKH[Gly73Arg]GPKDEERHVG